The following is an entry in ClinVar:

NM_005359.6(SMAD4):c.667A>G (p.Ser223Gly)

Gene: SMAD4 (SMAD family member 4; plus strand). Cytogenetic location: 18q21.2.
Variant type: single nucleotide variant.
Coding change: c.667A>G on transcript NM_005359.6 (MANE Select); coding-DNA position 667, A replaced by G.
Protein change: p.Ser223Gly; replaces serine 223 with glycine.
Molecular consequence: missense variant.
Genome position (GRCh38, 1-based): chr18:51,054,993, A>G. VCF-style: chr18-51054993-A-G. GRCh37 (hg19) VCF-style: chr18-48581363-A-G.
Other names: short protein forms S223G.
Identifiers: ClinVar variation 571081 (VCV000571081.19), dbSNP rs1568205121, ClinGen allele CA402461371.

ClinVar aggregate classification (germline): Uncertain significance. Review status: criteria provided, multiple submitters, no conflicts (2 of 4 stars). 4 submissions from 4 submitters: Uncertain significance (4). Last evaluated 2025-05-30.

Conditions:
Hereditary cancer-predisposing syndrome. Also called: Hereditary neoplastic syndrome; Neoplastic Syndromes, Hereditary; Hereditary Cancer Syndrome; Tumor predisposition. Identifiers: Orphanet 140162, MedGen C0027672, MeSH D009386, MONDO:0015356.
Familial thoracic aortic aneurysm and aortic dissection (TAAD). Also called: Thoracic aortic aneurysms and dissections. Identifiers: Orphanet 91387, MedGen C4707243, MONDO:0019625.
Juvenile polyposis syndrome (JPS). Identifiers: Orphanet 2929, MedGen C0345893, MONDO:0017380, OMIM 174900.

Allele frequency attached by ClinVar (database versions not stated): gnomAD exomes below 0.00001.
gnomAD v4.1: 6 of 1,609,282 alleles (0.00037%); highest among the groups gnomAD compares: Non-Finnish European, 0.00051%; no homozygotes.

Submissions (4):

Ambry Genetics
Classification: Uncertain significance for Hereditary cancer-predisposing syndrome; Familial thoracic aortic aneurysm and aortic dissection. Last evaluated: 2025-05-30. Review status: criteria provided, single submitter. Criteria: Ambry Variant Classification Scheme 2023. Collection method: clinical testing. Allele origin: germline.
Comment: The p.S223G variant (also known as c.667A>G), located in coding exon 4 of the SMAD4 gene, results from an A to G substitution at nucleotide position 667. The amino acid change results in serine to glycine at codon 223, an amino acid with similar properties. This amino acid position is highly conserved in available vertebrate species. In addition, the in silico prediction for this alteration is inconclusive. Since supporting evidence is limited at this time, the clinical significance of this alteration remains unclear.

Labcorp Genetics (formerly Invitae), Labcorp
Classification: Uncertain significance for Juvenile polyposis syndrome. Last evaluated: 2024-04-15. Review status: criteria provided, single submitter. Criteria: Invitae Variant Classification Sherloc (09022015). Collection method: clinical testing. Allele origin: germline.
Comment: This sequence change replaces serine, which is neutral and polar, with glycine, which is neutral and non-polar, at codon 223 of the SMAD4 protein (p.Ser223Gly). This variant is not present in population databases (gnomAD no frequency). This variant has not been reported in the literature in individuals affected with SMAD4-related conditions. ClinVar contains an entry for this variant (Variation ID: 571081). An algorithm developed to predict the effect of missense changes on protein structure and function (PolyPhen-2) suggests that this variant is likely to be tolerated. In summary, the available evidence is currently insufficient to determine the role of this variant in disease. Therefore, it has been classified as a Variant of Uncertain Significance.

Blueprint Genetics
Classification: Uncertain significance. Last evaluated: 2021-12-02. Review status: criteria provided, single submitter. Criteria: ACMG Guidelines, 2015. Collection method: clinical testing. Allele origin: germline.

Color Diagnostics, LLC DBA Color Health
Classification: Uncertain significance for Hereditary cancer-predisposing syndrome. Last evaluated: 2019-07-09. Review status: criteria provided, single submitter. Criteria: ACMG Guidelines, 2015. Collection method: clinical testing. Allele origin: germline.
Comment: This missense variant replaces serine with glycine at codon 223 of the SMAD4 protein. Computational prediction tools and conservation analyses suggest that this variant may not impact the protein function. To our knowledge, functional assays have not been performed for this variant nor has this variant been reported in individuals affected with hereditary cancer in the literature. This variant has not been identified in the general population by the Genome Aggregation Database (gnomAD). Available evidence is insufficient to determine the role of this variant in disease conclusively. Therefore, this variant is classified as a Variant of Uncertain Significance.